The following is an entry in ClinVar:

ClinVar aggregate classification (germline): Uncertain significance. Review status: criteria provided, multiple submitters, no conflicts (2 of 4 stars). 2 submissions from 2 submitters: Uncertain significance (2). Last evaluated 2025-01-13.

Conditions:
Primary ciliary dyskinesia. Also called: Ciliary dyskinesia. Identifiers: Orphanet 244, MedGen C0008780, MONDO:0016575, HP:0012265.

Allele frequency attached by ClinVar (database versions not stated): gnomAD exomes below 0.00001 and 0.00002; ExAC 0.00003; gnomAD 0.00008 and 0.00009; TOPMed 0.00015.
gnomAD v4.1: 17 of 1,613,274 alleles (0.0011%); highest among the groups gnomAD compares: African/African-American, 0.023%; no homozygotes.

Submissions (2):

Labcorp Genetics (formerly Invitae), Labcorp
Classification: Uncertain significance for Primary ciliary dyskinesia. Last evaluated: 2025-01-13. Review status: criteria provided, single submitter. Criteria: Invitae Variant Classification Sherloc (09022015). Collection method: clinical testing. Allele origin: germline.
Comment: This sequence change replaces leucine, which is neutral and non-polar, with proline, which is neutral and non-polar, at codon 282 of the CCNO protein (p.Leu282Pro). This variant is present in population databases (rs753791521, gnomAD 0.03%). This variant has not been reported in the literature in individuals affected with CCNO-related conditions. ClinVar contains an entry for this variant (Variation ID: 454919). Invitae Evidence Modeling of protein sequence and biophysical properties (such as structural, functional, and spatial information, amino acid conservation, physicochemical variation, residue mobility, and thermodynamic stability) indicates that this missense variant is expected to disrupt CCNO protein function with a positive predictive value of 80%. In summary, the available evidence is currently insufficient to determine the role of this variant in disease. Therefore, it has been classified as a Variant of Uncertain Significance.

GeneDx
Classification: Uncertain significance. Last evaluated: 2024-01-05. Review status: criteria provided, single submitter. Criteria: GeneDx Variant Classification Process June 2021. Collection method: clinical testing. Allele origin: germline. Affected: yes.
Comment: In silico analysis supports that this missense variant has a deleterious effect on protein structure/function; Has not been previously published as pathogenic or benign to our knowledge

NM_021147.5(CCNO):c.845T>C (p.Leu282Pro)

Gene: CCNO (cyclin O; minus strand). Cytogenetic location: 5q11.2.
Variant type: single nucleotide variant.
Coding change: c.845T>C on transcript NM_021147.5 (MANE Select); coding-DNA position 845, T replaced by C.
Protein change: p.Leu282Pro; replaces leucine 282 with proline.
Molecular consequence: missense variant. On other transcripts: non-coding transcript variant (3).
Genome position (GRCh38, 1-based): chr5:55,231,583, A>G on the plus strand (T>C on the coding strand, the complement: CCNO is on the minus strand). VCF-style: chr5-55231583-A-G. GRCh37 (hg19) VCF-style: chr5-54527411-A-G.
Other names: short protein forms L282P.
Identifiers: ClinVar variation 454919 (VCV000454919.8), dbSNP rs753791521, ClinGen allele CA3266665.
Genomic context (GRCh38, chr5:55,231,583, plus strand): 5'-TCCACGGGCCGCGAGACCCGCAGCATGCGGTCCGCCAGCGCCAGGCAGCAGATCGCCAGG[A>G]GGGAAGGGGAGTAGCTGGTGAAGGCATAGTCGGCCAGACTCAGCTCTGCCACCCCCCGCG-3'
Protein context (NP_066970.3, residues 272-292): DYAFTSYSPS[Leu282Pro]LAICCLALAD